The following is an entry in ClinVar:

NM_020458.4(TTC7A):c.2564C>G (p.Pro855Arg)

Gene: TTC7A (tetratricopeptide repeat domain 7A; plus strand). Cytogenetic location: 2p21.
Variant type: single nucleotide variant.
Coding change: c.2564C>G on transcript NM_020458.4 (MANE Select); coding-DNA position 2564, C replaced by G.
Protein change: p.Pro855Arg; replaces proline 855 with arginine.
Molecular consequence: missense variant.
Genome position (GRCh38, 1-based): chr2:47,073,910, C>G. VCF-style: chr2-47073910-C-G. GRCh37 (hg19) VCF-style: chr2-47301049-C-G.
Other names: c.2636C>G, p.Pro879Arg (NM_001288951.2); c.2462C>G, p.Pro821Arg (NM_001288953.2); c.1502C>G, p.Pro501Arg (NM_001288955.2); c.2564C>G (NM_020458.2); short protein forms P501R, P855R, P821R, P879R.
Identifiers: ClinVar variation 1035571 (VCV001035571.8), dbSNP rs750794132, ClinGen allele CA1648200.

ClinVar aggregate classification (germline): Uncertain significance. Review status: criteria provided, multiple submitters, no conflicts (2 of 4 stars). 2 submissions from 2 submitters: Uncertain significance (2). Last evaluated 2024-10-24.

Conditions:
Multiple gastrointestinal atresias. Also called: Multiple intestinal atresia; FAMILIAL INTESTINAL POLYATRESIA SYNDROME. Identifiers: Orphanet 2300, MedGen C0220744, MONDO:0009465.
Inborn genetic diseases. Identifiers: MedGen C0950123, MeSH D030342.

Allele frequency attached by ClinVar (database versions not stated): gnomAD 0.00001; gnomAD exomes 0.00001 and 0.00002; ExAC 0.00002; TOPMed 0.00002.
gnomAD v4.1: 27 of 1,611,810 alleles (0.0017%); highest among the groups gnomAD compares: Non-Finnish European, 0.0023%; no homozygotes.

Submissions (2):

Ambry Genetics
Classification: Uncertain significance for Inborn genetic diseases. Last evaluated: 2024-10-24. Review status: criteria provided, single submitter. Criteria: Ambry Variant Classification Scheme 2023. Collection method: clinical testing. Allele origin: germline.

Labcorp Genetics (formerly Invitae), Labcorp
Classification: Uncertain significance for Multiple gastrointestinal atresias. Last evaluated: 2023-05-08. Review status: criteria provided, single submitter. Criteria: Invitae Variant Classification Sherloc (09022015). Collection method: clinical testing. Allele origin: germline.
Comment: In summary, the available evidence is currently insufficient to determine the role of this variant in disease. Therefore, it has been classified as a Variant of Uncertain Significance. Advanced modeling of protein sequence and biophysical properties (such as structural, functional, and spatial information, amino acid conservation, physicochemical variation, residue mobility, and thermodynamic stability) performed at Invitae indicates that this missense variant is expected to disrupt TTC7A protein function. ClinVar contains an entry for this variant (Variation ID: 1035571). This variant has not been reported in the literature in individuals affected with TTC7A-related conditions. This variant is present in population databases (rs750794132, gnomAD 0.002%). This sequence change replaces proline, which is neutral and non-polar, with arginine, which is basic and polar, at codon 855 of the TTC7A protein (p.Pro855Arg).